The following is an entry in ClinVar:

ClinVar aggregate classification (germline): Conflicting classifications of pathogenicity. Review status: criteria provided, conflicting classifications (1 of 4 stars). 3 submissions from 3 submitters: Pathogenic (1); Likely pathogenic (1); Uncertain significance (1). Last evaluated 2024-02-23.

Conditions:
Charcot-Marie-Tooth disease axonal type 2Z. Also called: CHARCOT-MARIE-TOOTH DISEASE, AXONAL, AUTOSOMAL DOMINANT, TYPE 2Z; CHARCOT-MARIE-TOOTH NEUROPATHY, TYPE 2Z. Identifiers: Orphanet 466768, MedGen C5569025, MONDO:0014736, OMIM 616688.
Inborn genetic diseases. Identifiers: MedGen C0950123, MeSH D030342.
Developmental delay, impaired growth, dysmorphic facies, and axonal neuropathy. Identifiers: MedGen C5436781, MONDO:0030835, OMIM 619090.

Submissions (3):

Labcorp Genetics (formerly Invitae), Labcorp
Classification: Pathogenic for Charcot-Marie-Tooth disease axonal type 2Z. Last evaluated: 2024-02-23. Review status: criteria provided, single submitter. Criteria: Invitae Variant Classification Sherloc (09022015). Collection method: clinical testing. Allele origin: germline.
Comment: This sequence change replaces glutamic acid, which is acidic and polar, with glycine, which is neutral and non-polar, at codon 422 of the MORC2 protein (p.Glu422Gly). This variant is not present in population databases (gnomAD no frequency). This missense change has been observed in individual(s) with Charcot-Marie-Tooth disease (PMID: 34664855). In at least one individual the variant was observed to be de novo. This variant is also known as c.1079A>G (p.E360G). ClinVar contains an entry for this variant (Variation ID: 985095). Advanced modeling of protein sequence and biophysical properties (such as structural, functional, and spatial information, amino acid conservation, physicochemical variation, residue mobility, and thermodynamic stability) performed at Invitae indicates that this missense variant is expected to disrupt MORC2 protein function with a positive predictive value of 95%. For these reasons, this variant has been classified as Pathogenic.

Undiagnosed Diseases Network, NIH
Classification: Likely pathogenic for Developmental delay, impaired growth, dysmorphic facies, and axonal neuropathy. Last evaluated: 2021-04-12. Review status: criteria provided, single submitter. Criteria: ACMG Guidelines, 2015. Collection method: clinical testing. Allele origin: de novo. Inheritance: Autosomal dominant inheritance. Affected: yes. Observed: 1 variant allele, 1 heterozygote. Study: Undiagnosed Diseases Network (NIH), UDN.
Comment: This is a de novo missense variant that falls in an ATPase module associated with disease. Structural biology analysis found that the variant increases protein stability and is clustered with other pathogenic variants from 2020 publication (PMID:32693025). The phenotype and dysmorphic facies described in the paper fit well with this proband,

Ambry Genetics
Classification: Uncertain significance for Inborn genetic diseases. Last evaluated: 2019-04-04. Review status: criteria provided, single submitter. Criteria: Ambry exome assertion method (8-5-2015). Collection method: clinical testing. Allele origin: germline. Affected: yes. Observed: 1 variant allele.

Literature cited by the submitters: PubMed 34664855 (cited by Labcorp Genetics (formerly Invitae), Labcorp); PubMed 32693025 (cited by Undiagnosed Diseases Network, NIH).

NM_001303256.3(MORC2):c.1265A>G (p.Glu422Gly)

Gene: MORC2 (MORC family CW-type zinc finger 2; minus strand). Cytogenetic location: 22q12.2.
Variant type: single nucleotide variant.
Coding change: c.1265A>G on transcript NM_001303256.3 (MANE Select); coding-DNA position 1265, A replaced by G.
Protein change: p.Glu422Gly; replaces glutamic acid 422 with glycine.
Molecular consequence: missense variant.
Genome position (GRCh38, 1-based): chr22:30,937,919, T>C on the plus strand (A>G on the coding strand, the complement: MORC2 is on the minus strand). VCF-style: chr22-30937919-T-C. GRCh37 (hg19) VCF-style: chr22-31333906-T-C.
Other names: p.E360G; c.1265A>G, p.Glu422Gly (NM_001303257.2); c.1079A>G, p.Glu360Gly (NM_014941.3); short protein forms E360G, E422G.
Identifiers: ClinVar variation 985095 (VCV000985095.7), dbSNP rs2040680054, ClinGen allele CA411238961.